The following is an entry in ClinVar:

ClinVar aggregate classification (germline): Likely benign (1 of 4 stars; one submission).

Conditions:
Retinitis pigmentosa (RP). Identifiers: Orphanet 791, MedGen C0035334, MeSH D012174, MONDO:0019200, OMIM 268000. Inheritance: Autosomal dominant, autosomal recessive and X linked inheritance.

Allele frequency attached by ClinVar (database versions not stated): gnomAD 0.00093 and 0.00100; gnomAD exomes 0.00107 and 0.00118; TOPMed 0.00125; 1000 Genomes Project 0.00140; 1000 Genomes Project 30x 0.00141; ExAC 0.00162.
gnomAD v4.1: 1,844 of 1,575,322 alleles (0.12%); highest among the groups gnomAD compares: Admixed American, 0.2%; 5 homozygotes.

Submission:

Illumina Laboratory Services, Illumina
Classification: Likely benign for Retinitis pigmentosa. Last evaluated: 2018-01-13. Review status: criteria provided, single submitter. Criteria: ICSL Variant Classification Criteria 13 December 2019. Collection method: clinical testing. Allele origin: germline.
Comment: This variant was observed in the ICSL laboratory as part of a predisposition screen in an ostensibly healthy population. It had not been previously curated by ICSL or reported in the Human Gene Mutation Database (HGMD: prior to June 1st, 2018), and was therefore a candidate for classification through an automated scoring system. Utilizing variant allele frequency, disease prevalence and penetrance estimates, and inheritance mode, an automated score was calculated to assess if this variant is too frequent to cause the disease. Based on the score and internal cut-off values, a variant classified as likely benign is not then subjected to further curation. The score for this variant resulted in a classification of likely benign for this disease.

NM_005802.5(TOPORS):c.-61G>A

Genes: TOPORS (TOP1 binding arginine/serine rich protein, E3 ubiquitin ligase; minus strand), TZMP1 (transition zone microprotein 1; plus strand). Cytogenetic location: 9p21.1.
Variant type: single nucleotide variant.
Coding change: c.-61G>A on transcript NM_005802.5 (MANE Select); 61 bases upstream of the start codon, G replaced by A.
Molecular consequence: 5 prime UTR variant. On other transcripts: intron variant (3).
Genome position (GRCh38, 1-based): chr9:32,552,497, C>T on the plus strand (G>A on the coding strand, the complement: TOPORS is on the minus strand). VCF-style: chr9-32552497-C-T. GRCh37 (hg19) VCF-style: chr9-32552495-C-T.
Other names: c.-61G>A (NM_001195622.2); c.45+18C>T (NM_001349118.1, NM_001349119.2, NM_001387564.1).
Identifiers: ClinVar variation 976633 (VCV000976633.4), dbSNP rs189362662, ClinGen allele CA5020823.